The following is an entry in ClinVar:

NM_000066.4(C8B):c.81G>T (p.Leu27Phe)

Gene: C8B (complement C8 beta chain; minus strand). Cytogenetic location: 1p32.2.
Variant type: single nucleotide variant.
Coding change: c.81G>T on transcript NM_000066.4 (MANE Select); coding-DNA position 81, G replaced by T.
Protein change: p.Leu27Phe; replaces leucine 27 with phenylalanine.
Molecular consequence: missense variant. On other transcripts: 5 prime UTR variant (2).
Genome position (GRCh38, 1-based): chr1:56,965,868, C>A on the plus strand (G>T on the coding strand, the complement: C8B is on the minus strand). VCF-style: chr1-56965868-C-A. GRCh37 (hg19) VCF-style: chr1-57431541-C-A.
Other names: c.-298G>T (NM_001278543.2); c.-235G>T (NM_001278544.2); short protein forms L27F.
Identifiers: ClinVar variation 1936176 (VCV001936176.4), dbSNP rs550775622, ClinGen allele CA22840070.

ClinVar aggregate classification (germline): Uncertain significance (1 of 4 stars; one submission).

gnomAD v4.1: 11 of 1,614,092 alleles (0.00068%); highest among the groups gnomAD compares: Middle Eastern, 0.017%; no homozygotes.

Submission:

Labcorp Genetics (formerly Invitae), Labcorp
Classification: Uncertain significance. Last evaluated: 2024-12-09. Review status: criteria provided, single submitter. Criteria: Invitae Variant Classification Sherloc (09022015). Collection method: clinical testing. Allele origin: germline.
Comment: This sequence change replaces leucine, which is neutral and non-polar, with phenylalanine, which is neutral and non-polar, at codon 27 of the C8B protein (p.Leu27Phe). This variant is not present in population databases (gnomAD no frequency). This variant has not been reported in the literature in individuals affected with C8B-related conditions. ClinVar contains an entry for this variant (Variation ID: 1936176). An algorithm developed to predict the effect of missense changes on protein structure and function outputs the following: PolyPhen-2: "Benign". The phenylalanine amino acid residue is found in multiple mammalian species, which suggests that this missense change does not adversely affect protein function. In summary, the available evidence is currently insufficient to determine the role of this variant in disease. Therefore, it has been classified as a Variant of Uncertain Significance.